The following is an entry in ClinVar:

ClinVar aggregate classification (germline): Uncertain significance (1 of 4 stars; one submission).

Conditions:
KBG syndrome (KBGS). Also called: ANKRD11-Related KBG Syndrome. Identifiers: Orphanet 2332, MedGen C0220687, MONDO:0007846, OMIM 148050.

gnomAD v4.1: 1 of 1,613,938 alleles (0.000062%); highest among the groups gnomAD compares: Non-Finnish European, 0.000085%; no homozygotes.

Submission:

Labcorp Genetics (formerly Invitae), Labcorp
Classification: Uncertain significance for KBG syndrome. Last evaluated: 2024-07-03. Review status: criteria provided, single submitter. Criteria: Invitae Variant Classification Sherloc (09022015). Collection method: clinical testing. Allele origin: germline.
Comment: This sequence change replaces isoleucine, which is neutral and non-polar, with methionine, which is neutral and non-polar, at codon 1042 of the ANKRD11 protein (p.Ile1042Met). This variant is not present in population databases (gnomAD no frequency). This variant has not been reported in the literature in individuals affected with ANKRD11-related conditions. Advanced modeling of protein sequence and biophysical properties (such as structural, functional, and spatial information, amino acid conservation, physicochemical variation, residue mobility, and thermodynamic stability) performed at Invitae indicates that this missense variant is not expected to disrupt ANKRD11 protein function with a negative predictive value of 95%. In summary, the available evidence is currently insufficient to determine the role of this variant in disease. Therefore, it has been classified as a Variant of Uncertain Significance.

NM_013275.6(ANKRD11):c.3126C>G (p.Ile1042Met)

Gene: ANKRD11 (ankyrin repeat domain 11; minus strand). Cytogenetic location: 16q24.3.
Variant type: single nucleotide variant.
Coding change: c.3126C>G on transcript NM_013275.6 (MANE Select); coding-DNA position 3126, C replaced by G.
Protein change: p.Ile1042Met; replaces isoleucine 1042 with methionine.
Molecular consequence: missense variant.
Genome position (GRCh38, 1-based): chr16:89,283,416, G>C on the plus strand (C>G on the coding strand, the complement: ANKRD11 is on the minus strand). VCF-style: chr16-89283416-G-C. GRCh37 (hg19) VCF-style: chr16-89349824-G-C.
Other names: c.3126C>G, p.Ile1042Met (NM_001256182.2, NM_001256183.2); short protein forms I1042M.
Identifiers: ClinVar variation 3709693 (VCV003709693.2).